The following is an entry in ClinVar:

NM_002693.3(POLG):c.449A>T (p.Tyr150Phe)

Genes: POLG (DNA polymerase gamma, catalytic subunit; minus strand), POLGARF (POLG alternative reading frame; minus strand). Cytogenetic location: 15q26.1.
Variant type: single nucleotide variant.
Coding change: c.449A>T on transcript NM_002693.3 (MANE Select); coding-DNA position 449, A replaced by T.
Protein change: p.Tyr150Phe; replaces tyrosine 150 with phenylalanine.
Molecular consequence: missense variant.
Genome position (GRCh38, 1-based): chr15:89,333,306, T>A on the plus strand (A>T on the coding strand, the complement: POLG is on the minus strand). VCF-style: chr15-89333306-T-A. GRCh37 (hg19) VCF-style: chr15-89876537-T-A.
Other names: c.449A>T, p.Tyr150Phe (NM_001126131.2); short protein forms Y150F.
Identifiers: ClinVar variation 2671731 (VCV002671731.1), dbSNP rs2055620034, ClinGen allele CA393771651.
Genomic context (GRCh38, chr15:89,333,306, plus strand): 5'-GCCCAAGCCGGGGGCTTCGGGGGCAGCTGGGCCTGCAACAGCAAGTTGGCCGCCTCCAGG[T>A]AGGGCAGGCTCTGCTTCTGGGCCAGGAGGCGGAAGTGCTGGTCCAGGTTGTCCCCGTAGA-3'
Protein context (NP_002684.1, residues 140-160): RLLAQKQSLP[Tyr150Phe]LEAANLLLQA

ClinVar aggregate classification (germline): Uncertain significance (1 of 4 stars; one submission).

Conditions:
Progressive sclerosing poliodystrophy (MTDPS4A). Also called: ALPERS PROGRESSIVE INFANTILE POLIODYSTROPHY; NEURONAL DEGENERATION OF CHILDHOOD WITH LIVER DISEASE, PROGRESSIVE; Mitochondrial DNA depletion syndrome 4A (Alpers type); Mitochondrial DNA Depletion Syndrome 4A; Alpers-Huttenlocher Syndrome (AHS); Alpers Syndrome. Identifiers: Orphanet 726, MedGen C0205710, MONDO:0008758, OMIM 203700.

gnomAD v4.1: 1 of 1,555,726 alleles (0.000064%); no homozygotes.

Submission:

Neuberg Centre For Genomic Medicine, NCGM
Classification: Uncertain significance for Progressive sclerosing poliodystrophy. Last evaluated: 2023-02-14. Review status: criteria provided, single submitter. Criteria: ACMG Guidelines, 2015. Collection method: clinical testing. Allele origin: germline. Inheritance: Autosomal recessive inheritance. Affected: yes.
Comment: The missense c.449A>T(p.Tyr150Phe) variant in POLG gene has not been reported previously as a pathogenic variant nor as a benign variant, to our knowledge. The p.Tyr150Phe variant is novel (not in any individuals) in gnomAD Exomes and 1000 Genomes. This variant has not been reported to the ClinVar database. The amino acid change p.Tyr150Phe in POLG is predicted as conserved by GERP++ and PhyloP across 100 vertebrates. The amino acid Tyr at position 150 is changed to a Phe changing protein sequence and it might alter its composition and physico-chemical properties. For these reasons, this variant has been classified as Variant of Uncertain Significance (VUS).